The following is an entry in ClinVar:

ClinVar aggregate classification (germline): Uncertain significance. Review status: criteria provided, multiple submitters, no conflicts (2 of 4 stars). 2 submissions from 2 submitters: Uncertain significance (2). Last evaluated 2025-11-11.

Conditions:
Inborn genetic diseases. Identifiers: MedGen C0950123, MeSH D030342.

Submissions (2):

GeneDx
Classification: Uncertain significance. Last evaluated: 2025-11-11. Review status: criteria provided, single submitter. Criteria: GeneDx Variant Classification Process June 2021. Collection method: clinical testing. Allele origin: germline.
Comment: Not observed at significant frequency in large population cohorts (gnomAD); In silico analysis suggests that this missense variant does not alter protein structure/function; Has not been previously published as pathogenic or benign to our knowledge

Ambry Genetics
Classification: Uncertain significance for Inborn genetic diseases. Last evaluated: 2020-05-20. Review status: criteria provided, single submitter. Criteria: Ambry Variant Classification Scheme 2023. Collection method: clinical testing. Allele origin: germline.
Comment: The p.A689V variant (also known as c.2066C>T), located in coding exon 19 of the DNM2 gene, results from a C to T substitution at nucleotide position 2066. The alanine at codon 689 is replaced by valine, an amino acid with similar properties. This amino acid position is not well conserved in available vertebrate species. In addition, the in silico prediction for this alteration is inconclusive. Since supporting evidence is limited at this time, the clinical significance of this alteration remains unclear.

NM_001005361.3(DNM2):c.2066C>T (p.Ala689Val)

Gene: DNM2 (dynamin 2; plus strand). Cytogenetic location: 19p13.2.
Variant type: single nucleotide variant.
Coding change: c.2066C>T on transcript NM_001005361.3 (MANE Select); coding-DNA position 2066, C replaced by T.
Protein change: p.Ala689Val; replaces alanine 689 with valine.
Molecular consequence: missense variant.
Genome position (GRCh38, 1-based): chr19:10,829,043, C>T. VCF-style: chr19-10829043-C-T. GRCh37 (hg19) VCF-style: chr19-10939719-C-T.
Other names: c.2066C>T, p.Ala689Val (NM_001005360.3, NM_001190716.2); c.2054C>T, p.Ala685Val (NM_001005362.3, NM_004945.4); short protein forms A685V, A689V.
Identifiers: ClinVar variation 1785293 (VCV001785293.4), dbSNP rs2073245806, ClinGen allele CA404042110.